The following is an entry in ClinVar:

ClinVar aggregate classification (germline): Uncertain significance (1 of 4 stars; one submission).

Allele frequency attached by ClinVar (database versions not stated): gnomAD 0.00001; TOPMed 0.00001.
gnomAD v4.1: 20 of 1,608,914 alleles (0.0012%); highest among the groups gnomAD compares: Non-Finnish European, 0.0015%; no homozygotes.

Submission:

GeneDx
Classification: Uncertain significance. Last evaluated: 2019-05-10. Review status: criteria provided, single submitter. Criteria: GeneDx Variant Classification Process June 2021. Collection method: clinical testing. Allele origin: germline. Affected: yes.
Comment: Not observed at a significant frequency in large population cohorts (Lek et al., 2016); In silico analysis, which includes splice predictors and evolutionary conservation, supports that this variant does not alter protein structure/function; Has not been previously published as pathogenic or benign to our knowledge

NM_001374675.1(HSF4):c.558C>G (p.Gly186=)

Gene: HSF4 (heat shock transcription factor 4; plus strand). Cytogenetic location: 16q22.1.
Variant type: single nucleotide variant.
Coding change: c.558C>G on transcript NM_001374675.1 (MANE Select); coding-DNA position 558, C replaced by G.
Protein change: p.Gly186=; no amino-acid change (glycine 186 retained).
Molecular consequence: synonymous variant.
Genome position (GRCh38, 1-based): chr16:67,166,392, C>G. VCF-style: chr16-67166392-C-G. GRCh37 (hg19) VCF-style: chr16-67200295-C-G.
Other names: c.558C>G, p.Gly186= (NM_001040667.3, NM_001374674.1, NM_001538.4).
Identifiers: ClinVar variation 1305826 (VCV001305826.2), dbSNP rs1226307918, ClinGen allele CA495958652.